The following is an entry in ClinVar:

NC_000011.9:g.(?_65634389)_(65639825_?)dup

Gene: EFEMP2 (EGF-like fibulin extracellular matrix protein 2; minus strand). Cytogenetic location: 11q13.1.
Variant type: Duplication.
Identifiers: ClinVar variation 1433798 (VCV001433798.3).

ClinVar aggregate classification (germline): Uncertain significance (1 of 4 stars; one submission).

Conditions:
Cutis laxa, autosomal recessive, type 1B (ARCL1B). Also called: EFEMP2-Related Cutis Laxa; CUTIS LAXA, AUTOSOMAL RECESSIVE, TYPE IB. Identifiers: Orphanet 90349, MedGen C3280798, MONDO:0013754, OMIM 614437. Disease mechanism: loss of function.

Submission:

Labcorp Genetics (formerly Invitae), Labcorp
Classification: Uncertain significance for Cutis laxa, autosomal recessive, type 1B. Last evaluated: 2021-03-17. Review status: criteria provided, single submitter. Criteria: Invitae Variant Classification Sherloc (09022015). Collection method: clinical testing. Allele origin: germline.
Comment: This variant results in a copy number gain of the genomic region encompassing the full coding sequence of the EFEMP2 gene. The boundaries of this event are unknown as they extend beyond the assayed region for this gene and therefore may encompass additional genes. As the precise location of this event is unknown, it may be in tandem or it may be located elsewhere in the genome. This variant has not been reported in the literature in individuals with EFEMP2-related conditions. In summary, the available evidence is currently insufficient to determine the role of this variant in disease. Therefore, it has been classified as a Variant of Uncertain Significance.